The following is an entry in ClinVar:

NM_007194.4(CHEK2):c.19G>A (p.Val7Ile)

Gene: CHEK2 (checkpoint kinase 2; minus strand). Cytogenetic location: 22q12.1.
Variant type: single nucleotide variant.
Coding change: c.19G>A on transcript NM_007194.4 (MANE Select); coding-DNA position 19, G replaced by A.
Protein change: p.Val7Ile; replaces valine 7 with isoleucine.
Molecular consequence: missense variant.
Genome position (GRCh38, 1-based): chr22:28,734,703, C>T on the plus strand (G>A on the coding strand, the complement: CHEK2 is on the minus strand). VCF-style: chr22-28734703-C-T. GRCh37 (hg19) VCF-style: chr22-29130691-C-T.
Other names: c.19G>A, p.Val7Ile (NM_001005735.3, NM_001349956.3, NM_145862.3); c.-759G>A (NM_001257387.3); short protein forms V7I.
Identifiers: ClinVar variation 820491 (VCV000820491.9), dbSNP rs1601854266, ClinGen allele CA411092073.
Genomic context (GRCh38, chr22:28,734,703, plus strand): 5'-GGGTAACGCTGCCATGGGGCTGTGAACAGGCACTGCTGCCATGAGACTGCTGAGCCTCAA[C>T]ATCCGACTCCCGAGACATCACGACCTCAAAAAGAAAGTGTCCAACAACAAAGGTGAGTTT-3'
Protein context (NP_009125.1, residues 1-17): MSRESD[Val7Ile]EAQQSHGSSA

ClinVar aggregate classification (germline): Uncertain significance. Review status: criteria provided, multiple submitters, no conflicts (2 of 4 stars). 2 submissions from 2 submitters: Uncertain significance (2). Last evaluated 2025-01-30.

Conditions:
Familial cancer of breast. Also called: BREAST CANCER, FAMILIAL; Hereditary breast cancer; hereditary breast carcinoma. Identifiers: Orphanet 227535, MedGen C0346153, MONDO:0016419, OMIM 114480. Disease mechanism: loss of function.
Hereditary cancer-predisposing syndrome. Also called: Neoplastic Syndromes, Hereditary; Tumor predisposition; Hereditary Cancer Syndrome; Hereditary neoplastic syndrome. Identifiers: Orphanet 140162, MedGen C0027672, MeSH D009386, MONDO:0015356.

Submissions (2):

Ambry Genetics
Classification: Uncertain significance for Hereditary cancer-predisposing syndrome. Last evaluated: 2025-01-30. Review status: criteria provided, single submitter. Criteria: Ambry Variant Classification Scheme 2023. Collection method: clinical testing. Allele origin: germline.
Comment: The p.V7I variant (also known as c.19G>A), located in coding exon 1 of the CHEK2 gene, results from a G to A substitution at nucleotide position 19. The valine at codon 7 is replaced by isoleucine, an amino acid with highly similar properties. This amino acid position is not well conserved in available vertebrate species. In addition, this alteration is predicted to be tolerated by in silico analysis. Based on the available evidence, the clinical significance of this variant remains unclear.

Labcorp Genetics (formerly Invitae), Labcorp
Classification: Uncertain significance for Familial cancer of breast. Last evaluated: 2024-06-02. Review status: criteria provided, single submitter. Criteria: Invitae Variant Classification Sherloc (09022015). Collection method: clinical testing. Allele origin: germline.
Comment: This sequence change replaces valine, which is neutral and non-polar, with isoleucine, which is neutral and non-polar, at codon 7 of the CHEK2 protein (p.Val7Ile). This variant is not present in population databases (gnomAD no frequency). This variant has not been reported in the literature in individuals affected with CHEK2-related conditions. ClinVar contains an entry for this variant (Variation ID: 820491). An algorithm developed to predict the effect of missense changes on protein structure and function (PolyPhen-2) suggests that this variant is likely to be tolerated. In summary, the available evidence is currently insufficient to determine the role of this variant in disease. Therefore, it has been classified as a Variant of Uncertain Significance.